The following is an entry in ClinVar:

NM_000059.4(BRCA2):c.3659_3661del (p.Tyr1220del)

Gene: BRCA2 (BRCA2 DNA repair associated; plus strand). Cytogenetic location: 13q13.1.
Variant type: Deletion.
Coding change: c.3659_3661del on transcript NM_000059.4 (MANE Select); coding-DNA positions 3659 to 3661, 3 bases deleted (ATT; older notation c.3659_3661delATT).
Protein change: p.Tyr1220del; deletes tyrosine 1220.
Molecular consequence: inframe deletion. On other transcripts: inframe indel (2).
Genome position (GRCh38, 1-based): chr13:32,338,014-32,338,016, ATT deleted; deleting any 3 consecutive bases within chr13:32,338,012-32,338,016 gives the same sequence; the c. name uses the placement nearest the transcript's 3' end. VCF-style (leftmost placement, unchanged base first): chr13-32338011-TTTA-T. GRCh37 (hg19) VCF-style: chr13-32912148-TTTA-T.
Other names: c.3659_3661delATT, p.Tyr1220del (NM_001406719.1, NM_001406720.1); short protein forms Y1220del.
Identifiers: ClinVar variation 2118306 (VCV002118306.4), dbSNP rs2548526539, ClinGen allele CA2580087218.
Genomic context (GRCh38, chr13:32,338,011, plus strand): 5'-ACTGTAACAAAAGTGCTTCTGGTTATTTAACAGATGAAAATGAAGTGGGGTTTAGGGGCT[TTTA>T]TTCTGCTCATGGCACAAAACTGAATGTTTCTACTGAAGCTCTGCAAAAAGCTGTGAAACT-3'

ClinVar aggregate classification (germline): Uncertain significance (1 of 4 stars; one submission).

Conditions:
Hereditary breast ovarian cancer syndrome. Also called: Hereditary breast and ovarian cancer syndrome; Hereditary breast and ovarian cancer; Hereditary breast and ovarian cancer syndrome (HBOC); Hereditary breast and/or ovarian cancer syndrome; Breast and ovarian cancer; BRCA1- and BRCA2-Associated Hereditary Breast and Ovarian Cancer. Identifiers: Orphanet 145, MedGen C0677776, MeSH D061325, MONDO:0003582. Disease mechanism: loss of function.

Submission:

Labcorp Genetics (formerly Invitae), Labcorp
Classification: Uncertain significance for Hereditary breast ovarian cancer syndrome. Last evaluated: 2022-07-29. Review status: criteria provided, single submitter. Criteria: Invitae Variant Classification Sherloc (09022015). Collection method: clinical testing. Allele origin: germline.
Comment: This variant, c.3659_3661del, results in the deletion of 1 amino acid(s) of the BRCA2 protein (p.Tyr1220del), but otherwise preserves the integrity of the reading frame. This variant is not present in population databases (gnomAD no frequency). This variant has not been reported in the literature in individuals affected with BRCA2-related conditions. Experimental studies and prediction algorithms are not available or were not evaluated, and the functional significance of this variant is currently unknown. In summary, the available evidence is currently insufficient to determine the role of this variant in disease. Therefore, it has been classified as a Variant of Uncertain Significance.